The following is an entry in ClinVar:

NM_013275.6(ANKRD11):c.6067_6081delinsCC (p.Ala2023fs)

Gene: ANKRD11 (ankyrin repeat domain containing 11; minus strand). Cytogenetic location: 16q24.3.
Variant type: Indel.
Coding change: c.6067_6081delinsCC on transcript NM_013275.6 (MANE Select); coding-DNA positions 6067 to 6081, GCCCCGTACGCTCTG replaced by CC.
Protein change: p.Ala2023fs; shifts the reading frame from alanine 2023.
Molecular consequence: frameshift variant.
Genome position (GRCh38, 1-based): chr16:89,280,461-89,280,475, CAGAGCGTACGGGGC replaced by GG on the plus strand (GCCCCGTACGCTCTG replaced by CC on the coding strand, the reverse complement: ANKRD11 is on the minus strand). VCF-style: chr16-89280461-CAGAGCGTACGGGGC-GG. GRCh37 (hg19) VCF-style: chr16-89346869-CAGAGCGTACGGGGC-GG.
Other names: c.6067_6081delinsCC, p.Ala2023fs (NM_001256182.2, NM_001256183.2); short protein forms A2023fs.
Identifiers: ClinVar variation 817384 (VCV000817384.1), dbSNP rs1597441359, ClinGen allele CA915949411.

ClinVar aggregate classification (germline): Pathogenic (1 of 4 stars; one submission).

Submission:

GeneDx
Classification: Pathogenic. Last evaluated: 2018-12-18. Review status: criteria provided, single submitter. Criteria: GeneDx Variant Classification (06012015). Collection method: clinical testing. Allele origin: germline. Affected: yes.
Comment: The c.6067_6081del15insCC variant in the ANKRD11 gene has not been reported previously as a pathogenic variant nor as a benign variant, to our knowledge. The c.6067_6081del15insCC variant causes a frameshift starting with codon Alanine 2023, changes this amino acid to a Proline residue, and creates a premature Stop codon at position 60 of the new reading frame, denoted p.Ala2023ProfsX60. This variant is predicted to cause loss of normal protein function either through protein truncation or nonsense-mediated mRNA decay. The c.6067_6081del15insCC variant is not observed in large population cohorts (Lek et al., 2016). We interpret c.6067_6081del15insCC as a pathogenic variant.